The following is an entry in ClinVar:

ClinVar aggregate classification (germline): Uncertain significance. Review status: criteria provided, multiple submitters, no conflicts (2 of 4 stars). 2 submissions from 2 submitters: Uncertain significance (2). Last evaluated 2024-08-18.

Conditions:
Developmental and epileptic encephalopathy, 11 (DEE11). Also called: Early infantile epileptic encephalopathy 11. Identifiers: Orphanet 1934, MedGen C3150987, MONDO:0013388, OMIM 613721.
Seizures, benign familial infantile, 3 (BFIS3). Also called: CONVULSIONS, BENIGN FAMILIAL INFANTILE, 3; Familial neonatal seizures. Identifiers: Orphanet 140927, Orphanet 306, MedGen C1843140, MONDO:0011904, OMIM 607745.

Submissions (2):

Labcorp Genetics (formerly Invitae), Labcorp
Classification: Uncertain significance for Seizures, benign familial infantile, 3; Developmental and epileptic encephalopathy, 11. Last evaluated: 2024-08-18. Review status: criteria provided, single submitter. Criteria: Invitae Variant Classification Sherloc (09022015). Collection method: clinical testing. Allele origin: germline.
Comment: This sequence change replaces aspartic acid, which is acidic and polar, with glycine, which is neutral and non-polar, at codon 1952 of the SCN2A protein (p.Asp1952Gly). This variant is not present in population databases (gnomAD no frequency). This variant has not been reported in the literature in individuals affected with SCN2A-related conditions. ClinVar contains an entry for this variant (Variation ID: 1803639). Invitae Evidence Modeling of protein sequence and biophysical properties (such as structural, functional, and spatial information, amino acid conservation, physicochemical variation, residue mobility, and thermodynamic stability) indicates that this missense variant is not expected to disrupt SCN2A protein function with a negative predictive value of 95%. In summary, the available evidence is currently insufficient to determine the role of this variant in disease. Therefore, it has been classified as a Variant of Uncertain Significance.

GeneDx
Classification: Uncertain significance. Last evaluated: 2022-06-10. Review status: criteria provided, single submitter. Criteria: GeneDx Variant Classification Process June 2021. Collection method: clinical testing. Allele origin: germline. Affected: yes.
Comment: Not observed at significant frequency in large population cohorts (gnomAD); Missense variants in this gene are often considered pathogenic (HGMD); In silico analysis supports that this missense variant has a deleterious effect on protein structure/function; This substitution is predicted to be within the C-terminal cytoplasmic domain; Has not been previously published as pathogenic or benign to our knowledge

NM_001040142.2(SCN2A):c.5855A>G (p.Asp1952Gly)

Gene: SCN2A (sodium voltage-gated channel alpha subunit 2; plus strand). Cytogenetic location: 2q24.3.
Variant type: single nucleotide variant.
Coding change: c.5855A>G on transcript NM_001040142.2 (MANE Select); coding-DNA position 5855, A replaced by G.
Protein change: p.Asp1952Gly; replaces aspartic acid 1952 with glycine.
Molecular consequence: missense variant.
Genome position (GRCh38, 1-based): chr2:165,389,661, A>G. VCF-style: chr2-165389661-A-G. GRCh37 (hg19) VCF-style: chr2-166246171-A-G.
Other names: c.5855A>G, p.Asp1952Gly (NM_001040143.2, NM_001371246.1, NM_001371247.1 and 1 more transcripts); short protein forms D1952G.
Identifiers: ClinVar variation 1803639 (VCV001803639.3), dbSNP rs1574754481, ClinGen allele CA349040665.